The following is an entry in ClinVar:

ClinVar aggregate classification (germline): Likely benign. Review status: criteria provided, multiple submitters, no conflicts (2 of 4 stars). 4 submissions from 4 submitters: Likely benign (4). Last evaluated 2026-04-01.

Conditions:
Inborn genetic diseases. Identifiers: MedGen C0950123, MeSH D030342.

Allele frequency attached by ClinVar (database versions not stated): TOPMed 0.00002; gnomAD 0.00003.

Submissions (4):

CeGaT Center for Human Genetics Tuebingen
Classification: Likely benign. Last evaluated: 2026-04-01. Review status: criteria provided, single submitter. Criteria: CeGaT Center For Human Genetics Tuebingen Variant Classification Criteria Version 2. Collection method: clinical testing. Allele origin: germline. Affected: yes. Observed: 2 variant alleles.
Comment: NSUN2: BP4, BP7

Labcorp Genetics (formerly Invitae), Labcorp
Classification: Likely benign. Last evaluated: 2025-12-01. Review status: criteria provided, single submitter. Criteria: Invitae Variant Classification Sherloc (09022015). Collection method: clinical testing. Allele origin: germline.

Blueprint Genetics
Classification: Likely benign. Last evaluated: 2024-09-25. Review status: criteria provided, single submitter. Criteria: ACMG Guidelines, 2015. Collection method: clinical testing. Allele origin: germline.

Ambry Genetics
Classification: Likely benign for Inborn genetic diseases. Last evaluated: 2017-02-15. Review status: criteria provided, single submitter. Criteria: Ambry Variant Classification Scheme 2023. Collection method: clinical testing. Allele origin: germline.

NM_017755.6(NSUN2):c.2175C>T (p.Thr725=)

Gene: NSUN2 (NOP2/Sun RNA methyltransferase 2; minus strand). Cytogenetic location: 5p15.31.
Variant type: single nucleotide variant.
Coding change: c.2175C>T on transcript NM_017755.6 (MANE Select); coding-DNA position 2175, C replaced by T.
Protein change: p.Thr725=; no amino-acid change (threonine 725 retained).
Molecular consequence: synonymous variant. On other transcripts: non-coding transcript variant (1).
Genome position (GRCh38, 1-based): chr5:6,600,055, G>A on the plus strand (C>T on the coding strand, the complement: NSUN2 is on the minus strand). VCF-style: chr5-6600055-G-A. GRCh37 (hg19) VCF-style: chr5-6600168-G-A.
Other names: c.2070C>T, p.Thr690= (NM_001193455.2).
Identifiers: ClinVar variation 589542 (VCV000589542.24), dbSNP rs930773662, ClinGen allele CA113756208.